The following is an entry in ClinVar:

NM_000051.4(ATM):c.8880G>C (p.Trp2960Cys)

Genes: ATM (ATM serine/threonine kinase; plus strand), C11orf65 (chromosome 11 open reading frame 65; minus strand). Cytogenetic location: 11q22.3.
Variant type: single nucleotide variant.
Coding change: c.8880G>C on transcript NM_000051.4 (MANE Select); coding-DNA position 8880, G replaced by C.
Protein change: p.Trp2960Cys; replaces tryptophan 2960 with cysteine.
Molecular consequence: missense variant. On other transcripts: intron variant (2).
Genome position (GRCh38, 1-based): chr11:108,365,111, G>C. VCF-style: chr11-108365111-G-C. GRCh37 (hg19) VCF-style: chr11-108235838-G-C.
Other names: c.694+20809C>G (NM_001351110.2); c.8880G>C, p.Trp2960Cys (NM_001351834.2); c.640+20809C>G (NM_001330368.2); short protein forms W2960C.
Identifiers: ClinVar variation 853990 (VCV000853990.12), dbSNP rs1060501650, ClinGen allele CA382529665.
Genomic context (GRCh38, chr11:108,365,111, plus strand): 5'-TTCTTTTAATACATATGTTCTCTCTGTTTAGGTCCTTCTATATGATCCACTCTTTGACTG[G>C]ACCATGAATCCTTTGAAAGCTTTGTATTTACAGCAGAGGCCGGAAGATGAAACTGAGCTT-3'
Protein context (NP_000042.3, residues 2950-2970): EVLLYDPLFD[Trp2960Cys]TMNPLKALYL

ClinVar aggregate classification (germline): Uncertain significance. Review status: criteria provided, multiple submitters, no conflicts (2 of 4 stars). 2 submissions from 2 submitters: Uncertain significance (2). Last evaluated 2024-10-09.

Conditions:
Hereditary cancer-predisposing syndrome. Also called: Tumor predisposition; Neoplastic Syndromes, Hereditary; Hereditary Cancer Syndrome; Hereditary neoplastic syndrome. Identifiers: Orphanet 140162, MedGen C0027672, MeSH D009386, MONDO:0015356.
Ataxia-telangiectasia syndrome (AT). Also called: ATAXIA-TELANGIECTASIA, COMPLEMENTATION GROUP A; ATAXIA-TELANGIECTASIA, FRESNO VARIANT; Ataxia-telangiectasia; Ataxia-telangiectasia, complementation group D; AT, COMPLEMENTATION GROUP C; Ataxia-telangiectasia, complementation group E. Identifiers: Orphanet 100, MedGen C0004135, MONDO:0008840, OMIM 208900.

Submissions (2):

Labcorp Genetics (formerly Invitae), Labcorp
Classification: Uncertain significance for Ataxia-telangiectasia syndrome. Last evaluated: 2024-10-09. Review status: criteria provided, single submitter. Criteria: Invitae Variant Classification Sherloc (09022015). Collection method: clinical testing. Allele origin: germline.
Comment: This sequence change replaces tryptophan, which is neutral and slightly polar, with cysteine, which is neutral and slightly polar, at codon 2960 of the ATM protein (p.Trp2960Cys). This variant is not present in population databases (gnomAD no frequency). This variant has not been reported in the literature in individuals affected with ATM-related conditions. ClinVar contains an entry for this variant (Variation ID: 853990). Invitae Evidence Modeling of protein sequence and biophysical properties (such as structural, functional, and spatial information, amino acid conservation, physicochemical variation, residue mobility, and thermodynamic stability) indicates that this missense variant is expected to disrupt ATM protein function with a positive predictive value of 95%. In summary, the available evidence is currently insufficient to determine the role of this variant in disease. Therefore, it has been classified as a Variant of Uncertain Significance.

Ambry Genetics
Classification: Uncertain significance for Hereditary cancer-predisposing syndrome. Last evaluated: 2018-05-16. Review status: criteria provided, single submitter. Criteria: Ambry Variant Classification Scheme 2023. Collection method: clinical testing. Allele origin: germline.
Comment: The p.W2960C variant (also known as c.8880G>C), located in coding exon 61 of the ATM gene, results from a G to C substitution at nucleotide position 8880. The tryptophan at codon 2960 is replaced by cysteine, an amino acid with highly dissimilar properties. This amino acid position is highly conserved in available vertebrate species. In addition, this alteration is predicted to be deleterious by in silico analysis. Since supporting evidence is limited at this time, the clinical significance of this alteration remains unclear.